The following is an entry in ClinVar:

ClinVar aggregate classification (germline): Uncertain significance. Review status: criteria provided, multiple submitters, no conflicts (2 of 4 stars). 3 submissions from 3 submitters: Uncertain significance (3). Last evaluated 2025-10-14.

Conditions:
Hereditary cancer-predisposing syndrome. Also called: Tumor predisposition; Hereditary neoplastic syndrome; Neoplastic Syndromes, Hereditary; Hereditary Cancer Syndrome. Identifiers: Orphanet 140162, MedGen C0027672, MeSH D009386, MONDO:0015356.
Peutz-Jeghers syndrome (PJS). Also called: POLYPOSIS, HAMARTOMATOUS INTESTINAL; POLYPS-AND-SPOTS SYNDROME; Peutz-Jeghers polyposis; Periorificial lentiginosis syndrome. Identifiers: Orphanet 2869, MedGen C0031269, MeSH D010580, MONDO:0008280, OMIM 175200.

Allele frequency attached by ClinVar (database versions not stated): gnomAD exomes below 0.00001.
gnomAD v4.1: 2 of 1,613,398 alleles (0.00012%); highest among the groups gnomAD compares: Non-Finnish European, 0.00017%; no homozygotes.

Submissions (3):

Ambry Genetics
Classification: Uncertain significance for Hereditary cancer-predisposing syndrome. Last evaluated: 2025-10-14. Review status: criteria provided, single submitter. Criteria: Ambry Variant Classification Scheme 2023. Collection method: clinical testing. Allele origin: germline.
Comment: The p.I29F variant (also known as c.85A>T), located in coding exon 1 of the STK11 gene, results from an A to T substitution at nucleotide position 85. The isoleucine at codon 29 is replaced by phenylalanine, an amino acid with highly similar properties. This amino acid position is highly conserved in available vertebrate species. In addition, the in silico prediction for this alteration is inconclusive. Since supporting evidence is limited at this time, the clinical significance of this alteration remains unclear.

Center for Genomic Medicine, Rigshospitalet, Copenhagen University Hospital
Classification: Uncertain significance. Last evaluated: 2025-03-04. Review status: criteria provided, single submitter. Criteria: ACMG Guidelines, 2015. Collection method: clinical testing. Allele origin: germline.

Labcorp Genetics (formerly Invitae), Labcorp
Classification: Uncertain significance for Peutz-Jeghers syndrome. Last evaluated: 2017-10-31. Review status: criteria provided, single submitter. Criteria: Invitae Variant Classification Sherloc (09022015). Collection method: clinical testing. Allele origin: germline.
Comment: This variant has not been reported in the literature in individuals with STK11-related disease. ClinVar contains an entry for this variant (Variation ID: 221001). In summary, the available evidence is currently insufficient to determine the role of this variant in disease. Therefore, it has been classified as a Variant of Uncertain Significance. Algorithms developed to predict the effect of missense changes on protein structure and function do not agree on the potential impact of this missense change (SIFT: "Tolerated"; PolyPhen-2: "Possibly Damaging"; Align-GVGD: "Class C0"). This variant is not present in population databases (ExAC no frequency). This sequence change replaces isoleucine with phenylalanine at codon 29 of the STK11 protein (p.Ile29Phe). The isoleucine residue is highly conserved and there is a small physicochemical difference between isoleucine and phenylalanine.

NM_000455.5(STK11):c.85A>T (p.Ile29Phe)

Gene: STK11 (serine/threonine kinase 11; plus strand). Cytogenetic location: 19p13.3.
Variant type: single nucleotide variant.
Coding change: c.85A>T on transcript NM_000455.5 (MANE Select); coding-DNA position 85, A replaced by T.
Protein change: p.Ile29Phe; replaces isoleucine 29 with phenylalanine.
Molecular consequence: missense variant.
Genome position (GRCh38, 1-based): chr19:1,206,998, A>T. VCF-style: chr19-1206998-A-T. GRCh37 (hg19) VCF-style: chr19-1206997-A-T.
Other names: short protein forms I29F.
Identifiers: ClinVar variation 221001 (VCV000221001.18), dbSNP rs864622719, ClinGen allele CA348921.